The following is an entry in ClinVar:

NM_001024845.3(SLC6A9):c.154C>T (p.Arg52Cys)

Gene: SLC6A9 (solute carrier family 6 member 9; minus strand). Cytogenetic location: 1p34.1.
Variant type: single nucleotide variant.
Coding change: c.154C>T on transcript NM_001024845.3 (MANE Select); coding-DNA position 154, C replaced by T.
Protein change: p.Arg52Cys; replaces arginine 52 with cysteine.
Molecular consequence: missense variant. On other transcripts: non-coding transcript variant (1), intron variant (5).
Genome position (GRCh38, 1-based): chr1:44,010,759, G>A on the plus strand (C>T on the coding strand, the complement: SLC6A9 is on the minus strand). VCF-style: chr1-44010759-G-A. GRCh37 (hg19) VCF-style: chr1-44476431-G-A.
Other names: c.154C>T, p.Arg52Cys (NM_001328629.1); c.211C>T, p.Arg71Cys (NM_006934.4); c.373C>T, p.Arg125Cys (NM_201649.4); c.-14-2136C>T (NM_001328630.2, NM_001328626.2); c.125-2136C>T (NM_001328628.1); c.125-663C>T (NM_001328627.1); c.199+12C>T (NM_001261380.2); short protein forms R125C, R52C, R71C.
Identifiers: ClinVar variation 3376982 (VCV003376982.1).
Genomic context (GRCh38, chr1:44,010,759, plus strand): 5'-GGTCCCTGCCCTGTGCCCACTGGGTACCTCCCCCGTTGCGATAGCAGAGGTATGGGAAGC[G>A]CCAGACATTGCCCAGGCCCACGGCATAGCCCACGCTCGTCAGTACAAACTCGATCTGGTT-3'
Protein context (NP_001020016.1, residues 42-62): GYAVGLGNVW[Arg52Cys]FPYLCYRNGG

ClinVar aggregate classification (germline): Uncertain significance (1 of 4 stars; one submission).

Conditions:
Atypical glycine encephalopathy. Also called: Glycine encephalopathy with normal serum glycine. Identifiers: Orphanet 289863, MedGen C4310943, MONDO:0015010, OMIM 617301.

gnomAD v4.1: 1 of 1,614,086 alleles (0.000062%); highest among the groups gnomAD compares: Non-Finnish European, 0.000085%; no homozygotes.

Submission:

Victorian Clinical Genetics Services, Murdoch Childrens Research Institute
Classification: Uncertain significance for Atypical glycine encephalopathy. Last evaluated: 2024-09-21. Review status: criteria provided, single submitter. Criteria: ACMG Guidelines, 2015. Collection method: clinical testing. Allele origin: germline. Inheritance: Autosomal recessive inheritance. Affected: yes.
Comment: Based on the classification scheme VCGS_Germline_v1.3.4, this variant is classified as VUS-3A. Following criteria are met: 0102 - Loss of function is a known mechanism of disease in this gene and is associated with glycine encephalopathy with normal serum glycine (MIM#617301). (I) 0106 - This gene is associated with autosomal recessive disease. (I) 0200 - Variant is predicted to result in a missense amino acid change from arginine to cysteine. (I) 0252 - This variant is homozygous. (I) 0301 - Variant is absent from gnomAD (both v2 and v3). (SP) 0501 - Missense variant consistently predicted to be damaging by multiple in silico tools or highly conserved with a major amino acid change. (SP) 0600 - Variant is located in the annotated neurotransmitter sodium symporter domain (DECIPHER). (I) 0705 - No comparable missense variants have previous evidence for pathogenicity. (I) 0807 - This variant has no previous evidence of pathogenicity. (I) 0905 - No published segregation evidence has been identified for this variant. (I) 1007 - No published functional evidence has been identified for this variant. (I) Legend: (SP) - Supporting pathogenic, (I) - Information, (SB) - Supporting benign